The following is an entry in ClinVar:

NM_000497.4(CYP11B1):c.858C>A (p.Tyr286Ter)

Genes: CYP11B1 (cytochrome P450 family 11 subfamily B member 1; minus strand), LOC106799833 (CYP11B1 recombination region; plus strand). Cytogenetic location: 8q24.3.
Variant type: single nucleotide variant.
Coding change: c.858C>A on transcript NM_000497.4 (MANE Select); coding-DNA position 858, C replaced by A.
Protein change: p.Tyr286Ter; replaces tyrosine 286 with a stop codon.
Molecular consequence: nonsense.
Genome position (GRCh38, 1-based): chr8:142,876,337, G>T on the plus strand (C>A on the coding strand, the complement: CYP11B1 is on the minus strand). VCF-style: chr8-142876337-G-T. GRCh37 (hg19) VCF-style: chr8-143957753-G-T.
Other names: c.858C>A, p.Tyr286Ter (NM_001026213.1); short protein forms Y286*.
Identifiers: ClinVar variation 1998107 (VCV001998107.4), dbSNP rs1816948809, ClinGen allele CA372395227.

ClinVar aggregate classification (germline): Pathogenic (1 of 4 stars; one submission).

Submission:

Labcorp Genetics (formerly Invitae), Labcorp
Classification: Pathogenic. Last evaluated: 2022-05-22. Review status: criteria provided, single submitter. Criteria: Invitae Variant Classification Sherloc (09022015). Collection method: clinical testing. Allele origin: germline.
Comment: This sequence change creates a premature translational stop signal (p.Tyr286*) in the CYP11B1 gene. It is expected to result in an absent or disrupted protein product. Loss-of-function variants in CYP11B1 are known to be pathogenic (PMID: 8506298, 26476331). This variant is not present in population databases (gnomAD no frequency). This variant has not been reported in the literature in individuals affected with CYP11B1-related conditions. For these reasons, this variant has been classified as Pathogenic.

Literature cited by the submitters: PubMed 8506298; PubMed 26476331.